The following is an entry in ClinVar:

NM_001024630.4(RUNX2):c.216GGC[4] (p.Ala89del)

Genes: RUNX2 (RUNX family transcription factor 2; plus strand), LOC109611589 (runt related transcription factor 2 polyalanine expansion region; plus strand). Cytogenetic location: 6p21.1.
Variant type: Microsatellite.
Coding change: c.216GGC[4] on transcript NM_001024630.4 (MANE Select); four copies in a row of the 3-base unit GGC starting at c.216; the reference has five copies in a row; one copy, 3 bases deleted.
Protein change: p.Ala89del; deletes alanine 89.
Molecular consequence: inframe deletion.
Genome position (GRCh38, 1-based): chr6:45,422,762-45,422,764, GGC deleted; deleting any 3 consecutive bases within chr6:45,422,750-45,422,764 gives the same sequence; the position shown is the placement nearest the transcript's 3' end. VCF-style (leftmost placement, unchanged base first): chr6-45422749-AGGC-A. GRCh37 (hg19) VCF-style: chr6-45390486-AGGC-A.
Other names: c.216GGC[4], p.Ala89del (NM_001015051.4); c.174GGC[4], p.Ala75del (NM_001278478.2, NM_001369405.1); short protein forms A75del, A89del.
Identifiers: ClinVar variation 1414475 (VCV001414475.6), dbSNP rs746557318, ClinGen allele CA3836312.
Genomic context (GRCh38, chr6:45,422,749, plus strand): 5'-AGCAACAGCAGCAGCAGCAACAGCAGCAGCAGCAGCAGCAACAGCAGCAGCAGCAGCAGG[AGGC>A]GGCGGCGGCGGCTGCGGCGGCGGCGGCGGCTGCGGCGGCGGCAGCTGCAGTGCCCCGGTT-3'

ClinVar aggregate classification (germline): Uncertain significance (1 of 4 stars; one submission).

Submission:

Labcorp Genetics (formerly Invitae), Labcorp
Classification: Uncertain significance. Last evaluated: 2021-11-22. Review status: criteria provided, single submitter. Criteria: Invitae Variant Classification Sherloc (09022015). Collection method: clinical testing. Allele origin: germline.
Comment: In summary, the available evidence is currently insufficient to determine the role of this variant in disease. Therefore, it has been classified as a Variant of Uncertain Significance. This variant has not been reported in the literature in individuals affected with RUNX2-related conditions. The frequency data for this variant in the population databases is considered unreliable, as metrics indicate poor data quality at this position in the gnomAD database. This variant, c.228_230del, results in the deletion of 1 amino acid(s) of the RUNX2 protein (p.Ala89del), but otherwise preserves the integrity of the reading frame.